The following is an entry in ClinVar:

ClinVar aggregate classification (germline): Likely benign. Review status: criteria provided, single submitter (1 of 4 stars). 3 submissions from 3 submitters: Likely benign (1). 2 of the submissions do not count toward it.

Conditions:
Neurodevelopmental delay. Identifiers: MedGen C4022738, HP:0012758.
Intellectual developmental disorder, autosomal dominant 65. Also called: MENTAL RETARDATION, AUTOSOMAL DOMINANT 65. Identifiers: MedGen C5543371, MONDO:0023657, OMIM 619320.

Submissions (3):

Medical Genetics Laboratory, Niloo Shiraz Laboratory
Classification: Likely benign for Intellectual developmental disorder, autosomal dominant 65. Review status: criteria provided, single submitter. Criteria: ACMG Guidelines, 2015. Collection method: clinical testing. Allele origin: germline. Inheritance: Autosomal dominant inheritance. Affected: no.
Comment: Most prediction tools, including AlphaMissense (score 0.11),and REVEL (0.09), suggested a non-deleterious effect. According to ACMG guidelines, this variant can be classified as likely benign. Therefore, based on our findings, population data, and in-silico predictions, we conclude that this mutation is most consistent with a likely benign classification

OMIM
Classification: Pathogenic for INTELLECTUAL DEVELOPMENTAL DISORDER, AUTOSOMAL DOMINANT 65. Last evaluated: 2021-05-18. Review status: no assertion criteria provided. Collection method: literature only. Allele origin: germline. Not counted in ClinVar's aggregate classification.

Laboratory of Medical Genetics Unit, Bambino Gesù Children's Hospital
Classification: Likely pathogenic for Neurodevelopmental delay. Review status: no assertion criteria provided. Collection method: clinical testing. Allele origin: de novo. Inheritance: Autosomal dominant inheritance. Affected: yes. Observed: 1 heterozygote. Not counted in ClinVar's aggregate classification.

Literature cited by the submitters: PubMed 33232677 (cited by OMIM).

NM_015015.3(KDM4B):c.3284C>T (p.Pro1095Leu)

Gene: KDM4B (lysine demethylase 4B; plus strand). Cytogenetic location: 19p13.3.
Variant type: single nucleotide variant.
Coding change: c.3284C>T on transcript NM_015015.3 (MANE Select); coding-DNA position 3284, C replaced by T.
Protein change: p.Pro1095Leu; replaces proline 1095 with leucine.
Molecular consequence: missense variant.
Genome position (GRCh38, 1-based): chr19:5,151,504, C>T. VCF-style: chr19-5151504-C-T. GRCh37 (hg19) VCF-style: chr19-5151515-C-T.
Other names: short protein forms P1095L.
Identifiers: ClinVar variation 983215 (VCV000983215.4), dbSNP rs920029769, ClinGen allele CA403512266.